The following is an entry in ClinVar:

ClinVar aggregate classification (germline): Uncertain significance. Review status: criteria provided, multiple submitters, no conflicts (2 of 4 stars). 2 submissions from 2 submitters: Uncertain significance (2). Last evaluated 2025-11-06.

Conditions:
MAGEL2-related disorder. Also called: MAGEL2-related condition.

Allele frequency attached by ClinVar (database versions not stated): ExAC 0.00005; gnomAD 0.00005; TOPMed 0.00005.
gnomAD v4.1: 17 of 1,570,142 alleles (0.0011%); highest among the groups gnomAD compares: African/African-American, 0.02%; no homozygotes.

Submissions (2):

PreventionGenetics, part of Exact Sciences
Classification: Uncertain significance for MAGEL2-related condition. Last evaluated: 2025-11-06. Review status: criteria provided, single submitter. Criteria: ACMG Guidelines, 2015. Collection method: clinical testing. Allele origin: germline.
Comment: The MAGEL2 c.1805C>T variant is predicted to result in the amino acid substitution p.Thr602Met. To our knowledge, this variant has not been reported in the literature. This variant is reported in 0.023% of alleles in individuals of African descent in gnomAD. Although we suspect that this variant may be benign, at this time, the clinical significance of this variant is uncertain due to the absence of conclusive functional and genetic evidence.

Labcorp Genetics (formerly Invitae), Labcorp
Classification: Uncertain significance. Last evaluated: 2024-04-25. Review status: criteria provided, single submitter. Criteria: Invitae Variant Classification Sherloc (09022015). Collection method: clinical testing. Allele origin: germline.
Comment: This sequence change replaces threonine, which is neutral and polar, with methionine, which is neutral and non-polar, at codon 602 of the MAGEL2 protein (p.Thr602Met). The frequency data for this variant in the population databases is considered unreliable, as metrics indicate poor data quality at this position in the gnomAD database. This variant has not been reported in the literature in individuals affected with MAGEL2-related conditions. ClinVar contains an entry for this variant (Variation ID: 2631615). Advanced modeling of protein sequence and biophysical properties (such as structural, functional, and spatial information, amino acid conservation, physicochemical variation, residue mobility, and thermodynamic stability) performed at Invitae indicates that this missense variant is not expected to disrupt MAGEL2 protein function with a negative predictive value of 80%. In summary, the available evidence is currently insufficient to determine the role of this variant in disease. Therefore, it has been classified as a Variant of Uncertain Significance.

NM_019066.5(MAGEL2):c.1805C>T (p.Thr602Met)

Gene: MAGEL2 (MAGE family member L2; minus strand). Cytogenetic location: 15q11.2.
Variant type: single nucleotide variant.
Coding change: c.1805C>T on transcript NM_019066.5 (MANE Select); coding-DNA position 1805, C replaced by T.
Protein change: p.Thr602Met; replaces threonine 602 with methionine.
Molecular consequence: missense variant.
Genome position (GRCh38, 1-based): chr15:23,645,938, G>A on the plus strand (C>T on the coding strand, the complement: MAGEL2 is on the minus strand). VCF-style: chr15-23645938-G-A. GRCh37 (hg19) VCF-style: chr15-23891085-G-A.
Other names: short protein forms T602M.
Identifiers: ClinVar variation 2631615 (VCV002631615.5), dbSNP rs761204158, ClinGen allele CA7430018.
Genomic context (GRCh38, chr15:23,645,938, plus strand): 5'-GCCTTCTGGGCCTGCCAGGCCAGCGCCTGTGTCTGCTGCACCTCCTGGAATTCCATTGAC[G>A]TTGGAATCTCGTGTGGCACCGGGGGCTGACCTTTGGGGGCCTGCCAGATGATGGAAGGGC-3'
Protein context (NP_061939.3, residues 592-612): GQPPVPHEIP[Thr602Met]SMEFQEVQQT